The following is an entry in ClinVar:

ClinVar aggregate classification (germline): Conflicting classifications of pathogenicity. Review status: criteria provided, conflicting classifications (1 of 4 stars). 2 submissions from 2 submitters: Likely pathogenic (1); Uncertain significance (1). Last evaluated 2024-05-20.

Conditions:
Inborn genetic diseases. Identifiers: MedGen C0950123, MeSH D030342.

Allele frequency attached by ClinVar (database versions not stated): gnomAD exomes below 0.00001; TOPMed below 0.00001.

Submissions (2):

Ambry Genetics
Classification: Uncertain significance for Inborn genetic diseases. Last evaluated: 2024-05-20. Review status: criteria provided, single submitter. Criteria: Ambry Variant Classification Scheme 2023. Collection method: clinical testing. Allele origin: germline.
Comment: The c.277C>T (p.Q93*) alteration, located in exon 3 (coding exon 2) of the SHANK2 gene, consists of a C to T substitution at nucleotide position 277. This changes the amino acid from a glutamine (Q) to a stop codon at amino acid position 93. This region of the SHANK2 gene is excluded from highly expressed transcripts; the clinical relevance of this region of the SHANK2 gene is unknown. The exact functional effect of this alteration is unknown. This variant was not reported in population-based cohorts in the Genome Aggregation Database (gnomAD). Based on insufficient or conflicting evidence, the clinical significance of this alteration remains unclear.

Revvity Omics, Revvity
Classification: Likely pathogenic. Last evaluated: 2021-08-11. Review status: criteria provided, single submitter. Criteria: ACMG Guidelines, 2015. Collection method: clinical testing. Allele origin: germline.

NM_012309.5(SHANK2):c.277C>T (p.Gln93Ter)

Gene: SHANK2 (SH3 and multiple ankyrin repeat domains 2; minus strand). Cytogenetic location: 11q13.4.
Variant type: single nucleotide variant.
Coding change: c.277C>T on transcript NM_012309.5 (MANE Select); coding-DNA position 277, C replaced by T.
Protein change: p.Gln93Ter; replaces glutamine 93 with a stop codon.
Molecular consequence: nonsense.
Genome position (GRCh38, 1-based): chr11:71,118,963, G>A on the plus strand (C>T on the coding strand, the complement: SHANK2 is on the minus strand). VCF-style: chr11-71118963-G-A. GRCh37 (hg19) VCF-style: chr11-70830009-G-A.
Other names: c.277C>T (NM_012309.4); short protein forms Q93*.
Identifiers: ClinVar variation 521243 (VCV000521243.6), dbSNP rs1555100954, ClinGen allele CA381960091.